The following is an entry in ClinVar:

NM_000179.3(MSH6):c.2342C>T (p.Pro781Leu)

Gene: MSH6 (mutS homolog 6; plus strand). Cytogenetic location: 2p16.3.
Variant type: single nucleotide variant.
Coding change: c.2342C>T on transcript NM_000179.3 (MANE Select); coding-DNA position 2342, C replaced by T.
Protein change: p.Pro781Leu; replaces proline 781 with leucine.
Molecular consequence: missense variant.
Genome position (GRCh38, 1-based): chr2:47,800,325, C>T. VCF-style: chr2-47800325-C-T. GRCh37 (hg19) VCF-style: chr2-48027464-C-T.
Other names: c.1952C>T, p.Pro651Leu (NM_001281492.2); c.1436C>T, p.Pro479Leu (NM_001281493.2, NM_001281494.2); short protein forms P781L, P651L, P479L.
Identifiers: ClinVar variation 433914 (VCV000433914.12), dbSNP rs1553413710, ClinGen allele CA346753452.
Genomic context (GRCh38, chr2:47,800,325, plus strand): 5'-GGGTTGATACTTGCCATACTCCTTTTGGTAAGCGGCTCCTAAAGCAATGGCTTTGTGCCC[C>T]ACTCTGTAACCATTATGCTATTAATGATCGTCTAGATGCCATAGAAGACCTCATGGTTGT-3'
Protein context (NP_000170.1, residues 771-791): KRLLKQWLCA[Pro781Leu]LCNHYAINDR

ClinVar aggregate classification (germline): Pathogenic/Likely pathogenic. Review status: criteria provided, multiple submitters, no conflicts (2 of 4 stars). 5 submissions from 5 submitters: Pathogenic (1); Likely pathogenic (3). 1 of the submissions does not count toward it. Last evaluated 2025-04-01.

Conditions:
Hereditary nonpolyposis colon cancer (HNPCC). Also called: Hereditary Nonpolyposis Colorectal Cancer Syndrome; Hereditary nonpolyposis colorectal cancer; Familial nonpolyposis colon cancer. Identifiers: Orphanet 443909, MedGen C1333990, MONDO:0018630. Disease mechanism: loss of function.
Lynch syndrome. Identifiers: Orphanet 144, MedGen C4552100, MONDO:0005835. Disease mechanism: loss of function.
Hereditary cancer-predisposing syndrome. Also called: Hereditary Cancer Syndrome; Hereditary neoplastic syndrome; Neoplastic Syndromes, Hereditary; Tumor predisposition. Identifiers: Orphanet 140162, MedGen C0027672, MeSH D009386, MONDO:0015356.
Hereditary nonpolyposis colorectal neoplasms. Identifiers: MedGen C0009405, MeSH D003123.

Submissions (5):

Ambry Genetics
Classification: Likely pathogenic for Hereditary cancer-predisposing syndrome. Last evaluated: 2025-04-01. Review status: criteria provided, single submitter. Criteria: Ambry Variant Classification Scheme 2023. Collection method: clinical testing. Allele origin: germline.
Comment: The p.P781L variant (also known as c.2342C>T), located in coding exon 4 of the MSH6 gene, results from a C to T substitution at nucleotide position 2342. The proline at codon 781 is replaced by leucine, an amino acid with similar properties. This variant has been detected in individuals whose Lynch syndrome-associated tumors demonstrated high microsatellite instability (MSI-H) and/or loss of MSH6 by immunohistochemistry (IHC), and was classified as pathogenic by a study that evaluated multiple lines of evidence, including population data, functional evidence, in silico prediction models, segregation with disease and clinical phenotype including tumor characteristics (Tsai GJ et al. Genet Med, 2019 Jun;21:1435-1442; Ambry internal data). This amino acid position is highly conserved in available vertebrate species. In addition, this alteration is predicted to be deleterious by in silico analysis. Based on the majority of available evidence to date, this variant is likely to be pathogenic.

Women's Health and Genetics/Laboratory Corporation of America, LabCorp
Classification: Likely pathogenic for Hereditary nonpolyposis colon cancer. Last evaluated: 2024-07-24. Review status: criteria provided, single submitter. Criteria: LabCorp Variant Classification Summary - May 2015. Collection method: clinical testing. Allele origin: germline.
Comment: Variant summary: MSH6 c.2342C>T (p.Pro781Leu) results in a non-conservative amino acid change located in the DNA mismatch repair protein MutS, core (IPR007696) of the encoded protein sequence. Five of five in-silico tools predict a damaging effect of the variant on protein function. The variant was absent in 251084 control chromosomes. c.2342C>T has been reported in the literature in the heterozygous state in 1 family with multiple individuals affected with clinical features of MSH6-related Lynch syndrome (example, Tsai_2019). Loss of MSH6 expression by immunostaining and microsatellite instability were observed in the proband. A different variant affecting the same codon has been classified as likely pathogenic/pathogenic in ClinVar (c.2341C>T, p.Pro781Ser), supporting the critical relevance of codon 781 to MSH6 protein function. These data indicate that the variant is likely to be associated with disease. To our knowledge, no additional experimental evidence demonstrating an impact on protein function has been reported. The following publication has been ascertained in the context of this evaluation (PMID: 30374176). ClinVar contains an entry for this variant (Variation ID: 433914). Based on the evidence outlined above, the variant was classified as likely pathogenic.

Labcorp Genetics (formerly Invitae), Labcorp
Classification: Likely pathogenic for Hereditary nonpolyposis colorectal neoplasms. Last evaluated: 2023-12-30. Review status: criteria provided, single submitter. Criteria: Invitae Variant Classification Sherloc (09022015). Collection method: clinical testing. Allele origin: germline.
Comment: This sequence change replaces proline, which is neutral and non-polar, with leucine, which is neutral and non-polar, at codon 781 of the MSH6 protein (p.Pro781Leu). This variant is not present in population databases (gnomAD no frequency). This missense change has been observed in individuals with Lynch syndrome (PMID: 30374176; Invitae). ClinVar contains an entry for this variant (Variation ID: 433914). Advanced modeling of protein sequence and biophysical properties (such as structural, functional, and spatial information, amino acid conservation, physicochemical variation, residue mobility, and thermodynamic stability) performed at Invitae indicates that this missense variant is expected to disrupt MSH6 protein function with a positive predictive value of 95%. In summary, the currently available evidence indicates that the variant is pathogenic, but additional data are needed to prove that conclusively. Therefore, this variant has been classified as Likely Pathogenic.

University of Washington Department of Laboratory Medicine, University of Washington
Classification: Pathogenic for Lynch syndrome. Last evaluated: 2018-04-01. Review status: criteria provided, single submitter. Criteria: Tsai GJ et al. (Genet Med 2018). Collection method: research. Allele origin: germline. Inheritance: Autosomal dominant inheritance. Affected: yes.
Comment: The MSH6 gene variant designated as NM_000179.2:c.2342C>T (p.Pro781Leu) is classified as pathogenic. Cosegregation analysis of one observed family was performed using an online resource (RaÃ±ola et al, 2018, PMID:28965303) and shows a likelihood ratio of 1.22 to 1, providing some evidence for pathogenicity (Thompson et al., 2003, PMID:2900794). Using computer predictions from MAPP and Polyphen2 algorithms we estimated a pretest probability of 90% supporting pathogenicity (Thompson et al, 2013, PMID:22949379). Combining pretest probability and segregation likelihood gives 92% probability of pathogenicity. Bayesian analysis integrating all data (Tavtigian et al, 2018, PMID:29300386) gives over 99% probability of pathogenicity, which is consistent with a classification of pathogenic. This variant is predicted to alter MSH6 function and cause Lynch syndrome-associated cancers. This analysis was performed in conjunction with the family studies project as part of the University of Washington Find My Variant Study.

Department of Pathology and Laboratory Medicine, Sinai Health System
Classification: Uncertain significance. Review status: no assertion criteria provided. Collection method: clinical testing. Allele origin: unknown. Affected: yes. Observed: 1 variant allele. Study: The Canadian Open Genetics Repository (COGR). Not counted in ClinVar's aggregate classification.
Comment: The Pro781Leu Variant has not been previously detected in the literature nor by our laboratory. The Pro781 residue is conserved in mammals and lower species and computational analyses (PolyPhen-2, AlignGVGD) suggest that the Pro781Leu variant may impact the protein. However, this information is not predictive enough to assume pathogenicity. It should be noted that this lab has only sequenced the MSH6 gene in 126 individuals such that the full spectrum of benign variation has not yet been defined for this gene, increasing the possibility that this may be a benign variant. In summary, based on the above information, the clinical significance of this variant cannot be determined at this time.

Literature cited by the submitters: PubMed 30374176 (cited by 3 submitters); PubMed 22949379 (cited by University of Washington Department of Laboratory Medicine, University of Washington).